The following is an entry in ClinVar:

ClinVar aggregate classification (germline): Uncertain significance (1 of 4 stars; one submission).

Conditions:
Familial cancer of breast. Also called: BREAST CANCER, FAMILIAL; Hereditary breast cancer; hereditary breast carcinoma. Identifiers: Orphanet 227535, MedGen C0346153, MONDO:0016419, OMIM 114480. Disease mechanism: loss of function.

Submission:

Labcorp Genetics (formerly Invitae), Labcorp
Classification: Uncertain significance for Familial cancer of breast. Last evaluated: 2021-04-17. Review status: criteria provided, single submitter. Criteria: Invitae Variant Classification Sherloc (09022015). Collection method: clinical testing. Allele origin: germline.
Comment: In summary, the available evidence is currently insufficient to determine the role of this variant in disease. Therefore, it has been classified as a Variant of Uncertain Significance. Experimental studies and prediction algorithms are not available or were not evaluated, and the functional significance of this variant is currently unknown. This variant has not been reported in the literature in individuals with CHEK2-related conditions. This variant is not present in population databases (ExAC no frequency). This sequence change results in a frameshift in the CHEK2 gene (p.Lys520Serfs*46). While this is not anticipated to result in nonsense mediated decay, it is expected to disrupt the last 24 amino acid(s) of the CHEK2 protein and extend the protein by 21 additional amino acid residues.

NM_007194.4(CHEK2):c.1559del (p.Lys520fs)

Gene: CHEK2 (checkpoint kinase 2; minus strand). Cytogenetic location: 22q12.1.
Variant type: Deletion.
Coding change: c.1559del on transcript NM_007194.4 (MANE Select); coding-DNA position 1559, one base deleted (A; older notation c.1559delA).
Protein change: p.Lys520fs; shifts the reading frame from lysine 520.
Molecular consequence: frameshift variant.
Genome position (GRCh38, 1-based): chr22:28,687,970, T deleted on the plus strand (A on the coding strand, the reverse complement: CHEK2 is on the minus strand); the first of 3 consecutive T bases (chr22:28,687,970-28,687,972); deleting any one gives the same sequence. VCF-style (leftmost placement, unchanged base first): chr22-28687969-CT-C. GRCh37 (hg19) VCF-style: chr22-29083957-CT-C.
Other names: c.1686delA, p.Lys563Serfs (NM_001005735.3); c.894delA, p.Lys299Serfs (NM_001257387.3); c.1356delA, p.Lys453Serfs (NM_001349956.3); c.1470delA, p.Lys491Serfs (NM_145862.3); short protein forms K520fs, K563fs, K453fs, K299fs, K491fs.
Identifiers: ClinVar variation 1422180 (VCV001422180.7), dbSNP rs2145739112, ClinGen allele CA2573157926.
Genomic context (GRCh38, chr22:28,687,969, plus strand): 5'-AGCACACACAGCTGGGCGCTTTGTGGTCTCGGCACCCTCGGCTTCCCCTTCACGGGGCCG[CT>C]TTCGACTAGTAGAAGGCTGAAAATAAAGGAAAATGGAGAAATGTTCAAAAGAAAATCACT-3'